The following is an entry in ClinVar:

ClinVar aggregate classification (germline): Uncertain significance (1 of 4 stars; one submission).

Allele frequency attached by ClinVar (database versions not stated): gnomAD exomes below 0.00001.
gnomAD v4.1: 5 of 1,600,656 alleles (0.00031%); highest among the groups gnomAD compares: Non-Finnish European, 0.00043%; no homozygotes.

Submission:

GeneDx
Classification: Uncertain significance. Last evaluated: 2024-05-03. Review status: criteria provided, single submitter. Criteria: GeneDx Variant Classification Process June 2021. Collection method: clinical testing. Allele origin: germline. Affected: yes.
Comment: Not observed at significant frequency in large population cohorts (gnomAD); In silico analysis supports that this missense variant has a deleterious effect on protein structure/function; In silico analysis supports a deleterious effect on splicing; Has not been previously published as pathogenic or benign to our knowledge

NM_001822.7(CHN1):c.712G>T (p.Asp238Tyr)

Gene: CHN1 (chimerin 1; minus strand). Cytogenetic location: 2q31.1.
Variant type: single nucleotide variant.
Coding change: c.712G>T on transcript NM_001822.7 (MANE Select); coding-DNA position 712, G replaced by T.
Protein change: p.Asp238Tyr; replaces aspartic acid 238 with tyrosine.
Molecular consequence: missense variant. On other transcripts: non-coding transcript variant (1).
Genome position (GRCh38, 1-based): chr2:174,824,434, C>A on the plus strand (G>T on the coding strand, the complement: CHN1 is on the minus strand). VCF-style: chr2-174824434-C-A. GRCh37 (hg19) VCF-style: chr2-175689162-C-A.
Other names: c.634G>T, p.Asp212Tyr (NM_001025201.4); c.337G>T, p.Asp113Tyr (NM_001206602.2); c.712G>T, p.Asp238Tyr (NM_001371513.1); c.763G>T, p.Asp255Tyr (NM_001371514.1); short protein forms D113Y, D212Y, D238Y, D255Y.
Identifiers: ClinVar variation 2574198 (VCV002574198.2), dbSNP rs2468987837, ClinGen allele CA349347649.
Genomic context (GRCh38, chr2:174,824,434, plus strand): 5'-TACCTCACCTCTTATAACTTCACAACTGACTCAATCCAGAGACAAGACAAGAGCTCTTAC[C>A]TGCACATTTCACTCCCTGAGCAATGAGACCCCACATAAAGTTGGCACAGTATTCACACCA-3'
Protein context (NP_001813.1, residues 228-248): GLIAQGVKCA[Asp238Tyr]CGLNVHKQCS